The following is an entry in ClinVar:

ClinVar aggregate classification (germline): Likely benign. Review status: criteria provided, single submitter (1 of 4 stars). 2 submissions from 2 submitters: Likely benign (1). 1 of the submissions does not count toward it. Last evaluated 2025-01-06.

Conditions:
Short-rib thoracic dysplasia 6 with or without polydactyly (SRTD6). Also called: POLYDACTYLY WITH NEONATAL CHONDRODYSTROPHY, TYPE II; SHORT RIB-POLYDACTYLY SYNDROME, TYPE IIA; SHORT-RIB THORACIC DYSPLASIA 6 WITH POLYDACTYLY; SHORT-RIB THORACIC DYSPLASIA 6 WITHOUT POLYDACTYLY; Majewski Syndrome. Identifiers: MedGen C0024507, MONDO:0009894, OMIM 263520.
NEK1-related disorder. Also called: NEK1-related condition.

Allele frequency attached by ClinVar (database versions not stated): gnomAD exomes 0.00002; ExAC 0.00005; ESP Exome Variant Server 0.00009; gnomAD 0.00012 and 0.00013; TOPMed 0.00012; 1000 Genomes Project 0.00040; 1000 Genomes Project 30x 0.00062.
gnomAD v4.1: 26 of 1,457,338 alleles (0.0018%); highest among the groups gnomAD compares: African/African-American, 0.033%; no homozygotes.

Submissions (2):

Labcorp Genetics (formerly Invitae), Labcorp
Classification: Likely benign for Short-rib thoracic dysplasia 6 with or without polydactyly. Last evaluated: 2025-01-06. Review status: criteria provided, single submitter. Criteria: Invitae Variant Classification Sherloc (09022015). Collection method: clinical testing. Allele origin: germline.

PreventionGenetics, part of Exact Sciences
Classification: Likely benign for NEK1-related condition. Last evaluated: 2019-05-13. Review status: no assertion criteria provided. Collection method: clinical testing. Allele origin: germline. Not counted in ClinVar's aggregate classification.
Comment: This variant is classified as likely benign based on ACMG/AMP sequence variant interpretation guidelines (Richards et al. 2015 PMID: 25741868, with internal and published modifications).

NM_001199397.3(NEK1):c.397-4A>G

Gene: NEK1 (NIMA related kinase 1; minus strand). Cytogenetic location: 4q33.
Variant type: single nucleotide variant.
Coding change: c.397-4A>G on transcript NM_001199397.3 (MANE Select); 4 bases into the intron before coding-DNA position 397, A replaced by G.
Molecular consequence: intron variant.
Genome position (GRCh38, 1-based): chr4:169,589,518, T>C on the plus strand (A>G on the coding strand, the complement: NEK1 is on the minus strand). VCF-style: chr4-169589518-T-C. GRCh37 (hg19) VCF-style: chr4-170510669-T-C.
Other names: c.397-4A>G (NM_001374421.1, NM_001374420.1, NM_001199399.3 and 7 more transcripts).
Identifiers: ClinVar variation 774379 (VCV000774379.10), dbSNP rs374280409, ClinGen allele CA3138028.